The following is an entry in ClinVar:

NM_182641.4(BPTF):c.3794A>T (p.Asp1265Val)

Gene: BPTF (bromodomain PHD finger transcription factor; plus strand). Cytogenetic location: 17q24.2.
Variant type: single nucleotide variant.
Coding change: c.3794A>T on transcript NM_182641.4 (MANE Select); coding-DNA position 3794, A replaced by T.
Protein change: p.Asp1265Val; replaces aspartic acid 1265 with valine.
Molecular consequence: missense variant.
Genome position (GRCh38, 1-based): chr17:67,911,678, A>T. VCF-style: chr17-67911678-A-T. GRCh37 (hg19) VCF-style: chr17-65907794-A-T.
Other names: c.4172A>T, p.Asp1391Val (NM_004459.7); short protein forms D1265V, D1391V.
Identifiers: ClinVar variation 2004839 (VCV002004839.4), dbSNP rs2511468453, ClinGen allele CA400727422.

ClinVar aggregate classification (germline): Uncertain significance (1 of 4 stars; one submission).

Submission:

Labcorp Genetics (formerly Invitae), Labcorp
Classification: Uncertain significance. Last evaluated: 2022-07-11. Review status: criteria provided, single submitter. Criteria: Invitae Variant Classification Sherloc (09022015). Collection method: clinical testing. Allele origin: germline.
Comment: This sequence change replaces aspartic acid, which is acidic and polar, with valine, which is neutral and non-polar, at codon 1391 of the BPTF protein (p.Asp1391Val). This variant is not present in population databases (gnomAD no frequency). This variant has not been reported in the literature in individuals affected with BPTF-related conditions. Algorithms developed to predict the effect of missense changes on protein structure and function are either unavailable or do not agree on the potential impact of this missense change (SIFT: "Tolerated"; PolyPhen-2: "Probably Damaging"; Align-GVGD: "Class C0"). In summary, the available evidence is currently insufficient to determine the role of this variant in disease. Therefore, it has been classified as a Variant of Uncertain Significance.